The following is an entry in ClinVar:

NM_001852.4(COL9A2):c.20C>T (p.Ser7Phe)

Gene: COL9A2 (collagen type IX alpha 2 chain; minus strand). Cytogenetic location: 1p34.2.
Variant type: single nucleotide variant.
Coding change: c.20C>T on transcript NM_001852.4 (MANE Select); coding-DNA position 20, C replaced by T.
Protein change: p.Ser7Phe; replaces serine 7 with phenylalanine.
Molecular consequence: missense variant.
Genome position (GRCh38, 1-based): chr1:40,317,178, G>A on the plus strand (C>T on the coding strand, the complement: COL9A2 is on the minus strand). VCF-style: chr1-40317178-G-A. GRCh37 (hg19) VCF-style: chr1-40782850-G-A.
Other names: short protein forms S7F.
Identifiers: ClinVar variation 3633547 (VCV003633547.2).

ClinVar aggregate classification (germline): Uncertain significance (1 of 4 stars; one submission).

gnomAD v4.1: 1 of 1,588,408 alleles (0.000063%); highest among the groups gnomAD compares: South Asian, 0.0011%; no homozygotes.

Submission:

Labcorp Genetics (formerly Invitae), Labcorp
Classification: Uncertain significance. Last evaluated: 2024-05-02. Review status: criteria provided, single submitter. Criteria: Invitae Variant Classification Sherloc (09022015). Collection method: clinical testing. Allele origin: germline.
Comment: This sequence change replaces serine, which is neutral and polar, with phenylalanine, which is neutral and non-polar, at codon 7 of the COL9A2 protein (p.Ser7Phe). The frequency data for this variant in the population databases is considered unreliable, as metrics indicate poor data quality at this position in the gnomAD database. This variant has not been reported in the literature in individuals affected with COL9A2-related conditions. Advanced modeling of protein sequence and biophysical properties (such as structural, functional, and spatial information, amino acid conservation, physicochemical variation, residue mobility, and thermodynamic stability) performed at Invitae indicates that this missense variant is not expected to disrupt COL9A2 protein function with a negative predictive value of 95%. In summary, the available evidence is currently insufficient to determine the role of this variant in disease. Therefore, it has been classified as a Variant of Uncertain Significance.